The following is an entry in ClinVar:

ClinVar aggregate classification (germline): Uncertain significance. Review status: criteria provided, multiple submitters, no conflicts (2 of 4 stars). 3 submissions from 3 submitters: Uncertain significance (3). Last evaluated 2025-06-10.

Conditions:
Inborn genetic diseases. Identifiers: MedGen C0950123, MeSH D030342.
Developmental delay, hypotonia, musculoskeletal defects, and behavioral abnormalities. Identifiers: MedGen C5562012, MONDO:0859202, OMIM 619595.
Floating-Harbor syndrome (FLHS). Also called: Short stature with delayed bone age, expressive language delay, a triangular face with a prominent nose and deep-set eyes; Pelletier-Leisti syndrome; SRCAP-Related Floating-Harbor Syndrome. Identifiers: Orphanet 2044, MedGen C0729582, MONDO:0007621, OMIM 136140.

Allele frequency attached by ClinVar (database versions not stated): gnomAD exomes below 0.00001; TOPMed 0.00002; gnomAD 0.00003; ESP Exome Variant Server 0.00008.
gnomAD v4.1: 7 of 1,613,908 alleles (0.00043%); highest among the groups gnomAD compares: African/African-American, 0.004%; no homozygotes.

Submissions (3):

Ambry Genetics
Classification: Uncertain significance for Inborn genetic diseases. Last evaluated: 2025-06-10. Review status: criteria provided, single submitter. Criteria: Ambry Variant Classification Scheme 2023. Collection method: clinical testing. Allele origin: germline.

Fulgent Genetics
Classification: Uncertain significance for Floating-Harbor syndrome; Developmental delay, hypotonia, musculoskeletal defects, and behavioral abnormalities. Last evaluated: 2024-05-15. Review status: criteria provided, single submitter. Criteria: ACMG Guidelines, 2015. Collection method: clinical testing. Allele origin: germline.

Labcorp Genetics (formerly Invitae), Labcorp
Classification: Uncertain significance. Last evaluated: 2023-11-01. Review status: criteria provided, single submitter. Criteria: Invitae Variant Classification Sherloc (09022015). Collection method: clinical testing. Allele origin: germline.
Comment: This sequence change replaces isoleucine, which is neutral and non-polar, with valine, which is neutral and non-polar, at codon 2954 of the SRCAP protein (p.Ile2954Val). This variant is present in population databases (rs371687815, gnomAD 0.008%). This variant has not been reported in the literature in individuals affected with SRCAP-related conditions. Advanced modeling of protein sequence and biophysical properties (such as structural, functional, and spatial information, amino acid conservation, physicochemical variation, residue mobility, and thermodynamic stability) performed at Invitae indicates that this missense variant is not expected to disrupt SRCAP protein function with a negative predictive value of 80%. In summary, the available evidence is currently insufficient to determine the role of this variant in disease. Therefore, it has been classified as a Variant of Uncertain Significance.

NM_006662.3(SRCAP):c.8860A>G (p.Ile2954Val)

Gene: SRCAP (Snf2 related CREBBP activator protein; plus strand). Cytogenetic location: 16p11.2.
Variant type: single nucleotide variant.
Coding change: c.8860A>G on transcript NM_006662.3 (MANE Select); coding-DNA position 8860, A replaced by G.
Protein change: p.Ile2954Val; replaces isoleucine 2954 with valine.
Molecular consequence: missense variant.
Genome position (GRCh38, 1-based): chr16:30,738,900, A>G. VCF-style: chr16-30738900-A-G. GRCh37 (hg19) VCF-style: chr16-30750221-A-G.
Other names: c.8860A>G (NM_006662.2); short protein forms I2954V.
Identifiers: ClinVar variation 2780007 (VCV002780007.5), dbSNP rs371687815, ClinGen allele CA280525092.